The following is an entry in ClinVar:

ClinVar aggregate classification (germline): Uncertain significance. Review status: criteria provided, multiple submitters, no conflicts (2 of 4 stars). 2 submissions from 2 submitters: Uncertain significance (2). Last evaluated 2025-09-11.

Conditions:
Inborn genetic diseases. Identifiers: MedGen C0950123, MeSH D030342.

Allele frequency attached by ClinVar (database versions not stated): gnomAD exomes below 0.00001; TOPMed below 0.00001.
gnomAD v4.1: 1 of 1,614,098 alleles (0.000062%); highest among the groups gnomAD compares: Non-Finnish European, 0.000085%; no homozygotes.

Submissions (2):

Ambry Genetics
Classification: Uncertain significance for Inborn genetic diseases. Last evaluated: 2025-09-11. Review status: criteria provided, single submitter. Criteria: Ambry Variant Classification Scheme 2023. Collection method: clinical testing. Allele origin: germline.

GeneDx
Classification: Uncertain significance. Last evaluated: 2022-03-07. Review status: criteria provided, single submitter. Criteria: GeneDx Variant Classification Process June 2021. Collection method: clinical testing. Allele origin: germline. Affected: yes.
Comment: Not observed at significant frequency in large population cohorts (gnomAD); In silico analysis supports that this missense variant does not alter protein structure/function; Has not been previously published as pathogenic or benign to our knowledge

NM_005045.4(RELN):c.5906A>G (p.Asn1969Ser)

Gene: RELN (reelin; minus strand). Cytogenetic location: 7q22.1.
Variant type: single nucleotide variant.
Coding change: c.5906A>G on transcript NM_005045.4 (MANE Select); coding-DNA position 5906, A replaced by G.
Protein change: p.Asn1969Ser; replaces asparagine 1969 with serine.
Molecular consequence: missense variant.
Genome position (GRCh38, 1-based): chr7:103,553,723, T>C on the plus strand (A>G on the coding strand, the complement: RELN is on the minus strand). VCF-style: chr7-103553723-T-C. GRCh37 (hg19) VCF-style: chr7-103194170-T-C.
Other names: c.5906A>G, p.Asn1969Ser (NM_173054.3); short protein forms N1969S.
Identifiers: ClinVar variation 1704779 (VCV001704779.3), dbSNP rs987993419, ClinGen allele CA163904146.